The following is an entry in ClinVar:

ClinVar aggregate classification (germline): Uncertain significance (1 of 4 stars; one submission).

Conditions:
Charlevoix-Saguenay spastic ataxia (SACS). Also called: SPASTIC ATAXIA 6, AUTOSOMAL RECESSIVE; AUTOSOMAL RECESSIVE SPASTIC ATAXIA OF CHARLEVOIX-SAGUENAY; Spastic ataxia of Charlevoix-Saguenay. Identifiers: Orphanet 98, MedGen C1849140, MONDO:0010041, OMIM 270550.

Submission:

Myriad Genetics, Inc.
Classification: Uncertain significance for Charlevoix-Saguenay spastic ataxia. Last evaluated: 2026-05-20. Review status: criteria provided, single submitter. Criteria: Myriad Autosomal Dominant, Autosomal Recessive and X-Linked Classification Criteria (2023). Collection method: clinical testing. Allele origin: unknown.
Comment: NM_014363.4(SACS):c.4716_4718delTAT(I1572del) is an in-frame deletion classified as a variant of uncertain significance in the context of autosomal recessive spastic ataxia of Charlevoix-Saguenay. I1572del has not been observed in cases with relevant disease. Relevant functional assessments of this variant are not available in the literature. I1572del has not been observed in referenced population frequency databases. In summary, there is insufficient evidence to classify NM_014363.4(SACS):c.4716_4718delTAT(I1572del) as pathogenic or benign. Please note: this variant was assessed in the context of healthy population screening.

NM_014363.6(SACS):c.4716_4718del (p.Ile1572del)

Gene: SACS (sacsin molecular chaperone; minus strand). Cytogenetic location: 13q12.12.
Variant type: Deletion.
Coding change: c.4716_4718del on transcript NM_014363.6 (MANE Select); coding-DNA positions 4716 to 4718, 3 bases deleted (TAT; older notation c.4716_4718delTAT).
Protein change: p.Ile1572del; deletes isoleucine 1572.
Molecular consequence: inframe deletion.
Genome position (GRCh38, 1-based): chr13:23,339,158-23,339,160, ATA deleted on the plus strand (TAT on the coding strand, the reverse complement: SACS is on the minus strand); deleting any 3 consecutive bases within chr13:23,339,158-23,339,162 gives the same sequence; the c. name uses the placement nearest the transcript's 3' end. VCF-style (leftmost placement, unchanged base first): chr13-23339157-CATA-C. GRCh37 (hg19) VCF-style: chr13-23913296-CATA-C.
Other names: c.4275_4277del, p.Ile1425del (NM_001278055.2); c.4743_4745del, p.Ile1581del (NM_001437336.1); short protein forms I1425del, I1572del, I1581del.
Identifiers: ClinVar variation 5003908 (VCV005003908.1).
Genomic context (GRCh38, chr13:23,339,157, plus strand): 5'-TTTAATGTGTTTACTGATATGATTTATGTTTGGATCGAACATTATCATGAATTCCCGACT[CATA>C]ATGATGGGAATGTCAGTGATATGGTACACAGAATTAAATCCAAGACCAAATTTTCCAACT-3'